The following is an entry in ClinVar:

ClinVar aggregate classification (germline): Likely pathogenic (1 of 4 stars; one submission).

Conditions:
Autosomal recessive spinocerebellar ataxia 20. Identifiers: Orphanet 397709, MedGen C5190595, MONDO:0014601, OMIM 616354.

Submission:

Foundation for Research in Genetics and Endocrinology, FRIGE's Institute of Human Genetics
Classification: Likely pathogenic for Autosomal recessive spinocerebellar ataxia 20. Last evaluated: 2024-08-09. Review status: criteria provided, single submitter. Criteria: ACMG Guidelines, 2015. Collection method: clinical testing. Allele origin: germline. Inheritance: Autosomal recessive inheritance. Affected: yes. Observed: 1 homozygote.
Comment: A homozygous nonsense variant in exon 25 of the SNX14 gene that results in a stop codon and premature truncation of the protein at codon 836 was detected. This variant has not been reported in the 1000 genomes, gnomAD (v3.1), gnomAD (v2.1), topmed and databases. The in-silico prediction of the variant is damaging by MutationTaster2. The reference codon is conserved across species. In summary, the variant meets our criteria to be classified as likley pathogenic.

NM_153816.6(SNX14):c.2506G>T (p.Glu836Ter)

Gene: SNX14 (sorting nexin 14; minus strand). Cytogenetic location: 6q14.3.
Variant type: single nucleotide variant.
Coding change: c.2506G>T on transcript NM_153816.6 (MANE Select); coding-DNA position 2506, G replaced by T.
Protein change: p.Glu836Ter; replaces glutamic acid 836 with a stop codon.
Molecular consequence: nonsense. On other transcripts: non-coding transcript variant (6), intron variant (2).
Genome position (GRCh38, 1-based): chr6:85,514,121, C>A on the plus strand (G>T on the coding strand, the complement: SNX14 is on the minus strand). VCF-style: chr6-85514121-C-A. GRCh37 (hg19) VCF-style: chr6-86223839-C-A.
Other names: p.Glu836Ter; c.2479G>T, p.Glu827Ter (NM_001297614.3); c.2350G>T, p.Glu784Ter (NM_001304479.2); c.2569G>T, p.Glu857Ter (NM_001350532.2); c.2503G>T, p.Glu835Ter (NM_001350533.2, NM_001350535.2); c.2476G>T, p.Glu826Ter (NM_001350534.2); c.2374G>T, p.Glu792Ter (NM_001350536.2); c.2371G>T, p.Glu791Ter (NM_001350537.2); and 11 more; short protein forms E442*, E451*, E486*, E688*, E736*, E739*, E740*, E783*.
Identifiers: ClinVar variation 3336800 (VCV003336800.2).
Genomic context (GRCh38, chr6:85,514,121, plus strand): 5'-AATACAAACCTCTGAGAAGTGTTATGAGTGAGACCAAACGGTGCTCCTGAAATAGCTGTT[C>A]TAGTTTACACTGAAGATAGTAATCAGTATACATTTCCAGGGTGTTTTTAAAGAGGATTCG-3'